The following is an entry in ClinVar:

NM_004304.5(ALK):c.85G>A (p.Ala29Thr)

Gene: ALK (ALK receptor tyrosine kinase; minus strand). Cytogenetic location: 2p23.1.
Variant type: single nucleotide variant.
Coding change: c.85G>A on transcript NM_004304.5 (MANE Select); coding-DNA position 85, G replaced by A.
Protein change: p.Ala29Thr; replaces alanine 29 with threonine.
Molecular consequence: missense variant.
Genome position (GRCh38, 1-based): chr2:29,920,575, C>T on the plus strand (G>A on the coding strand, the complement: ALK is on the minus strand). VCF-style: chr2-29920575-C-T. GRCh37 (hg19) VCF-style: chr2-30143441-C-T.
Other names: short protein forms A29T.
Identifiers: ClinVar variation 949522 (VCV000949522.12), dbSNP rs1326321652, ClinGen allele CA346590721.

ClinVar aggregate classification (germline): Conflicting classifications of pathogenicity. Review status: criteria provided, conflicting classifications (1 of 4 stars). 3 submissions from 3 submitters: Uncertain significance (2); Likely benign (1). Last evaluated 2025-05-06.

Conditions:
Neuroblastoma, susceptibility to, 3. Also called: ALK-Related Neuroblastic Tumor Susceptibility. Identifiers: Orphanet 635, MedGen C2751681, MONDO:0013083, OMIM 613014.
Hereditary cancer-predisposing syndrome. Also called: Hereditary neoplastic syndrome; Neoplastic Syndromes, Hereditary; Hereditary Cancer Syndrome; Tumor predisposition. Identifiers: Orphanet 140162, MedGen C0027672, MeSH D009386, MONDO:0015356.

Submissions (3):

Dasa
Classification: Uncertain significance. Last evaluated: 2025-05-06. Review status: criteria provided, single submitter. Criteria: DASA Assertion Criteria. Collection method: clinical testing. Allele origin: germline.
Comment: NM_004304.5(ALK):c.85G>A (p.Ala29Thr) is a missense variant that results in the substitution of alanine with threonine. This variant is absent from population databases. Computational prediction algorithms are consistent with a benign effect. The currently available literature and clinical evidence are not sufficient to establish a definitive association between this variant and the reported condition. Therefore, this variant is classified as a variant of uncertain significance.

Labcorp Genetics (formerly Invitae), Labcorp
Classification: Uncertain significance for Neuroblastoma, susceptibility to, 3. Last evaluated: 2025-01-19. Review status: criteria provided, single submitter. Criteria: Invitae Variant Classification Sherloc (09022015). Collection method: clinical testing. Allele origin: germline.
Comment: This sequence change replaces alanine, which is neutral and non-polar, with threonine, which is neutral and polar, at codon 29 of the ALK protein (p.Ala29Thr). This variant is not present in population databases (gnomAD no frequency). This variant has not been reported in the literature in individuals affected with ALK-related conditions. ClinVar contains an entry for this variant (Variation ID: 949522). An algorithm developed to predict the effect of missense changes on protein structure and function outputs the following: PolyPhen-2: "Benign". The threonine amino acid residue is found in multiple mammalian species, which suggests that this missense change does not adversely affect protein function. In summary, the available evidence is currently insufficient to determine the role of this variant in disease. Therefore, it has been classified as a Variant of Uncertain Significance.

Ambry Genetics
Classification: Likely benign for Hereditary cancer-predisposing syndrome. Last evaluated: 2024-11-23. Review status: criteria provided, single submitter. Criteria: Ambry Variant Classification Scheme 2023. Collection method: clinical testing. Allele origin: germline.